The following is an entry in ClinVar:

NM_001384474.1(LOXHD1):c.166G>A (p.Gly56Ser)

Gene: LOXHD1 (lipoxygenase homology PLAT domains 1; minus strand). Cytogenetic location: 18q21.1.
Variant type: single nucleotide variant.
Coding change: c.166G>A on transcript NM_001384474.1 (MANE Select); coding-DNA position 166, G replaced by A.
Protein change: p.Gly56Ser; replaces glycine 56 with serine.
Molecular consequence: missense variant.
Genome position (GRCh38, 1-based): chr18:46,649,234, C>T on the plus strand (G>A on the coding strand, the complement: LOXHD1 is on the minus strand). VCF-style: chr18-46649234-C-T. GRCh37 (hg19) VCF-style: chr18-44229197-C-T.
Other names: c.166G>A, p.Gly56Ser (NM_144612.7); short protein forms G56S.
Identifiers: ClinVar variation 504611 (VCV000504611.13), dbSNP rs200763838, ClinGen allele CA8952954.

ClinVar aggregate classification (germline): Uncertain significance. Review status: criteria provided, multiple submitters, no conflicts (2 of 4 stars). 5 submissions from 5 submitters: Uncertain significance (4). 1 of the submissions does not count toward it. Last evaluated 2024-10-03.

Conditions:
Autosomal recessive nonsyndromic hearing loss 77. Identifiers: Orphanet 90636, MedGen C2746083, MONDO:0013119, OMIM 613079.
Inborn genetic diseases. Identifiers: MedGen C0950123, MeSH D030342.

Allele frequency attached by ClinVar (database versions not stated): gnomAD exomes 0.00023 and 0.00028; ExAC 0.00027; gnomAD 0.00034 and 0.00036; TOPMed 0.00041; 1000 Genomes Project 30x 0.00047; 1000 Genomes Project 0.00060; ESP Exome Variant Server 0.00088.
gnomAD v4.1: 402 of 1,551,830 alleles (0.026%); highest among the groups gnomAD compares: Middle Eastern, 0.13%; 1 homozygote.

Submissions (5):

Blueprint Genetics
Classification: Uncertain significance. Last evaluated: 2024-10-03. Review status: criteria provided, single submitter. Criteria: ACMG Guidelines, 2015. Collection method: clinical testing. Allele origin: germline.

Labcorp Genetics (formerly Invitae), Labcorp
Classification: Uncertain significance. Last evaluated: 2022-10-04. Review status: criteria provided, single submitter. Criteria: Invitae Variant Classification Sherloc (09022015). Collection method: clinical testing. Allele origin: germline.
Comment: This sequence change replaces glycine, which is neutral and non-polar, with serine, which is neutral and polar, at codon 56 of the LOXHD1 protein (p.Gly56Ser). This variant is present in population databases (rs200763838, gnomAD 0.06%). This variant has not been reported in the literature in individuals affected with LOXHD1-related conditions. ClinVar contains an entry for this variant (Variation ID: 504611). Algorithms developed to predict the effect of missense changes on protein structure and function are either unavailable or do not agree on the potential impact of this missense change (SIFT: "Deleterious"; PolyPhen-2: "Not Available"; Align-GVGD: "Class C0"). Algorithms developed to predict the effect of sequence changes on RNA splicing suggest that this variant may create or strengthen a splice site. In summary, the available evidence is currently insufficient to determine the role of this variant in disease. Therefore, it has been classified as a Variant of Uncertain Significance.

Laboratory for Molecular Medicine, Mass General Brigham Personalized Medicine
Classification: Uncertain significance. Last evaluated: 2019-05-21. Review status: criteria provided, single submitter. Criteria: LMM Criteria. Collection method: clinical testing. Allele origin: germline. Observed: 2 variant alleles.
Comment: This variant has also been identified in 0.03% (57/188894) of total chromosomes by gnomAD. Computational prediction tools and conservation analysis suggest that this variant may impact the protein, though this information is not predictive enough to determine pathogenicity. In summary, the clinical significance of this variant is uncertain. ACMG/AMP Criteria applied: PM2_Supporting, PP3.

Ambry Genetics
Classification: Uncertain significance for Inborn genetic diseases. Last evaluated: 2018-09-28. Review status: criteria provided, single submitter. Criteria: Ambry exome assertion method (8-5-2015). Collection method: clinical testing. Allele origin: germline. Affected: yes. Observed: 1 variant allele.

Natera, Inc.
Classification: Uncertain significance for Autosomal recessive deafness type 77. Last evaluated: 2020-09-16. Review status: no assertion criteria provided. Collection method: clinical testing. Allele origin: germline. Not counted in ClinVar's aggregate classification.